The following is an entry in ClinVar:

NM_032119.4(ADGRV1):c.9477G>A (p.Thr3159=)

Gene: ADGRV1 (adhesion G protein-coupled receptor V1; plus strand). Cytogenetic location: 5q14.3.
Variant type: single nucleotide variant.
Coding change: c.9477G>A on transcript NM_032119.4 (MANE Select); coding-DNA position 9477, G replaced by A.
Protein change: p.Thr3159=; no amino-acid change (threonine 3159 retained).
Molecular consequence: synonymous variant. On other transcripts: non-coding transcript variant (1).
Genome position (GRCh38, 1-based): chr5:90,720,077, G>A. VCF-style: chr5-90720077-G-A. GRCh37 (hg19) VCF-style: chr5-90015894-G-A.
Identifiers: ClinVar variation 517405 (VCV000517405.7), dbSNP rs777032531, ClinGen allele CA3340518.

ClinVar aggregate classification (germline): Likely benign. Review status: criteria provided, multiple submitters, no conflicts (2 of 4 stars). 2 submissions from 2 submitters: Likely benign (2). Last evaluated 2023-10-30.

Allele frequency attached by ClinVar (database versions not stated): ExAC 0.00001; gnomAD 0.00001.
gnomAD v4.1: 5 of 1,613,324 alleles (0.00031%); highest among the groups gnomAD compares: African/African-American, 0.0027%; no homozygotes.

Submissions (2):

Labcorp Genetics (formerly Invitae), Labcorp
Classification: Likely benign. Last evaluated: 2023-10-30. Review status: criteria provided, single submitter. Criteria: Invitae Variant Classification Sherloc (09022015). Collection method: clinical testing. Allele origin: germline.

Laboratory for Molecular Medicine, Mass General Brigham Personalized Medicine
Classification: Likely benign. Last evaluated: 2017-05-31. Review status: criteria provided, single submitter. Criteria: LMM Criteria. Collection method: clinical testing. Allele origin: germline. Observed: 1 variant allele.
Comment: p.Thr3159Thr in exon 44 of GPR98: This variant is not expected to have clinical significance because it does not alter an amino acid residue and it is not locat ed within the splice consensus sequence. It has been identified in 1/30750 Sout h Asian and 1/33510 Latino chromosomes by the Genome Aggregation Database (gnomA D; dbSNP rs777032531).